The following is an entry in ClinVar:

ClinVar aggregate classification (germline): Uncertain significance (1 of 4 stars; one submission).

Allele frequency attached by ClinVar (database versions not stated): ExAC 0.00002; TOPMed 0.00003; ESP Exome Variant Server 0.00008.
gnomAD v4.1: 101 of 1,613,982 alleles (0.0063%); highest among the groups gnomAD compares: Non-Finnish European, 0.0084%; no homozygotes.

Submission:

Labcorp Genetics (formerly Invitae), Labcorp
Classification: Uncertain significance. Last evaluated: 2021-09-24. Review status: criteria provided, single submitter. Criteria: Invitae Variant Classification Sherloc (09022015). Collection method: clinical testing. Allele origin: germline.
Comment: This sequence change replaces arginine with leucine at codon 8 of the PIGV protein (p.Arg8Leu). The arginine residue is weakly conserved and there is a moderate physicochemical difference between arginine and leucine. This variant is present in population databases (rs368673102, ExAC 0.003%). This variant has not been reported in the literature in individuals with PIGV-related conditions. Algorithms developed to predict the effect of missense changes on protein structure and function (SIFT, PolyPhen-2, Align-GVGD) all suggest that this variant is likely to be tolerated, but these predictions have not been confirmed by published functional studies and their clinical significance is uncertain. In summary, the available evidence is currently insufficient to determine the role of this variant in disease. Therefore, it has been classified as a Variant of Uncertain Significance.

NM_017837.4(PIGV):c.23G>T (p.Arg8Leu)

Gene: PIGV (phosphatidylinositol glycan anchor biosynthesis class V; plus strand). Cytogenetic location: 1p36.11.
Variant type: single nucleotide variant.
Coding change: c.23G>T on transcript NM_017837.4 (MANE Select); coding-DNA position 23, G replaced by T.
Protein change: p.Arg8Leu; replaces arginine 8 with leucine.
Molecular consequence: missense variant. On other transcripts: non-coding transcript variant (2), intron variant (1).
Genome position (GRCh38, 1-based): chr1:26,790,838, G>T. VCF-style: chr1-26790838-G-T. GRCh37 (hg19) VCF-style: chr1-27117329-G-T.
Other names: c.23G>T, p.Arg8Leu (NM_001202554.2, NM_001374478.1, NM_001374480.1 and 5 more transcripts); c.-304+3032G>T (NM_001374483.1); short protein forms R8L.
Identifiers: ClinVar variation 1412897 (VCV001412897.5), dbSNP rs368673102, ClinGen allele CA707966.
Genomic context (GRCh38, chr1:26,790,838, plus strand): 5'-CCTGGTAGCAACACCCCTGAATTCCTGGTGGTGAAAGGATGTGGCCCCAGGACCCATCCC[G>T]GAAGGAGGTGCTGAGGTTTGCAGTCAGCTGCCGTATCCTGACTCTGATGCTGCAGGTCAG-3'
Protein context (NP_060307.2, residues 1-18): MWPQDPS[Arg8Leu]KEVLRFAVSC